The following is an entry in ClinVar:

NM_000540.3(RYR1):c.11764C>T (p.Leu3922Phe)

Gene: RYR1 (ryanodine receptor 1; plus strand). Cytogenetic location: 19q13.2.
Variant type: single nucleotide variant.
Coding change: c.11764C>T on transcript NM_000540.3 (MANE Select); coding-DNA position 11764, C replaced by T.
Protein change: p.Leu3922Phe; replaces leucine 3922 with phenylalanine.
Molecular consequence: missense variant.
Genome position (GRCh38, 1-based): chr19:38,543,421, C>T. VCF-style: chr19-38543421-C-T. GRCh37 (hg19) VCF-style: chr19-39034061-C-T.
Other names: c.11749C>T, p.Leu3917Phe (NM_001042723.2); short protein forms L3917F, L3922F.
Identifiers: ClinVar variation 4802130 (VCV004802130.1).

ClinVar aggregate classification (germline): Uncertain significance (1 of 4 stars; one submission).

Conditions:
RYR1-related disorder. Also called: RYR1-related condition; RYR1-related disorders. Identifiers: MedGen CN239331.

Submission:

Labcorp Genetics (formerly Invitae), Labcorp
Classification: Uncertain significance for RYR1-related disorder. Last evaluated: 2025-07-13. Review status: criteria provided, single submitter. Criteria: Invitae Variant Classification Sherloc (09022015). Collection method: clinical testing. Allele origin: germline.
Comment: This sequence change replaces leucine, which is neutral and non-polar, with phenylalanine, which is neutral and non-polar, at codon 3922 of the RYR1 protein (p.Leu3922Phe). This variant is not present in population databases (gnomAD no frequency). This variant has not been reported in the literature in individuals affected with RYR1-related conditions. Invitae Evidence Modeling of protein sequence and biophysical properties (such as structural, functional, and spatial information, amino acid conservation, physicochemical variation, residue mobility, and thermodynamic stability) indicates that this missense variant is expected to disrupt RYR1 protein function with a positive predictive value of 80%. In summary, the available evidence is currently insufficient to determine the role of this variant in disease. Therefore, it has been classified as a Variant of Uncertain Significance.